The following is an entry in ClinVar:

NM_001267550.2(TTN):c.54859_54863dup (p.Ile18289fs)

Genes: TTN-AS1 (TTN antisense RNA 1; plus strand), TTN (titin; minus strand). Cytogenetic location: 2q31.2.
Variant type: Duplication.
Coding change: c.54859_54863dup on transcript NM_001267550.2 (MANE Select); coding-DNA positions 54859 to 54863, 5 bases duplicated (TCAAG; older notation c.54859_54863dupTCAAG).
Protein change: p.Ile18289fs; shifts the reading frame from isoleucine 18289.
Molecular consequence: frameshift variant.
Genome position (GRCh38, 1-based): chr2:178,602,539-178,602,543, CTTGA duplicated on the plus strand (TCAAG on the coding strand, the reverse complement: TTN is on the minus strand); duplicating any 5 consecutive bases within chr2:178,602,539-178,602,546 gives the same sequence; the c. name uses the placement nearest the transcript's 3' end. VCF-style (leftmost placement, unchanged base first): chr2-178602538-G-GCTTGA. GRCh37 (hg19) VCF-style: chr2-179467265-G-GCTTGA.
Other names: c.49936_49940dup, p.Ile16648fs (NM_001256850.1); c.27664_27668dup, p.Ile9224fs (NM_003319.4); c.47155_47159dup, p.Ile15721fs (NM_133378.4); c.28039_28043dup, p.Ile9349fs (NM_133432.3); c.28240_28244dup, p.Ile9416fs (NM_133437.4); short protein forms I15721fs, I16648fs, I18289fs, I9224fs, I9349fs, I9416fs.
Identifiers: ClinVar variation 3759267 (VCV003759267.2).

ClinVar aggregate classification (germline): Likely pathogenic (1 of 4 stars; one submission).

Conditions:
Dilated cardiomyopathy 1G (CMD1G). Identifiers: Orphanet 154, MedGen C1858763, MONDO:0011400, OMIM 604145.
Autosomal recessive limb-girdle muscular dystrophy type 2J (LGMDR10). Also called: Limb-girdle muscular dystrophy, type 2J; MUSCULAR DYSTROPHY, LIMB-GIRDLE, AUTOSOMAL RECESSIVE 10. Identifiers: Orphanet 140922, MedGen C1837342, MONDO:0012127, OMIM 608807.

Submission:

Labcorp Genetics (formerly Invitae), Labcorp
Classification: Likely pathogenic for Dilated cardiomyopathy 1G; Autosomal recessive limb-girdle muscular dystrophy type 2J. Last evaluated: 2024-09-27. Review status: criteria provided, single submitter. Criteria: Invitae Variant Classification Sherloc (09022015). Collection method: clinical testing. Allele origin: germline.
Comment: This sequence change creates a premature translational stop signal (p.Ile18289Glnfs*5) in the TTN gene. While this is not anticipated to result in nonsense mediated decay, it is expected to create a truncated TTN protein. This variant is not present in population databases (gnomAD no frequency). This premature translational stop signal has been observed in individual(s) with dilated cardiomyopathy (internal data). This variant is located in the A band of TTN (PMID: 25589632). Truncating variants in this region are significantly overrepresented in patients affected with dilated cardiomyopathy (PMID: 25589632). Truncating variants in this region have also been reported in individuals affected with autosomal recessive centronuclear myopathy (PMID: 23975875). In summary, the currently available evidence indicates that the variant is pathogenic, but additional data are needed to prove that conclusively. Therefore, this variant has been classified as Likely Pathogenic.

Literature cited by the submitters: PubMed 25589632; PubMed 23975875.